The following is an entry in ClinVar:

NM_000059.4(BRCA2):c.3873del (p.Gln1291fs)

Gene: BRCA2 (BRCA2 DNA repair associated; plus strand). Cytogenetic location: 13q13.1.
Variant type: Deletion.
Coding change: c.3873del on transcript NM_000059.4 (MANE Select); coding-DNA position 3873, one base deleted (A; older notation c.3873delA).
Protein change: p.Gln1291fs; shifts the reading frame from glutamine 1291.
Molecular consequence: frameshift variant.
Genome position (GRCh38, 1-based): chr13:32,338,228, A deleted; the last of 2 consecutive A bases (chr13:32,338,227-32,338,228); deleting either gives the same sequence. VCF-style (leftmost placement, unchanged base first): chr13-32338226-CA-C. GRCh37 (hg19) VCF-style: chr13-32912363-CA-C.
Other names: 4101DELA; c.3873delA (NM_000059.3).
Identifiers: ClinVar variation 91809 (VCV000091809.31), dbSNP rs398122772, ClinGen allele CA019049.

ClinVar aggregate classification (germline): Pathogenic. Review status: reviewed by expert panel (3 of 4 stars). 15 submissions from 15 submitters: Pathogenic (1). 14 of the submissions do not count toward it. Last evaluated 2016-09-08.

Conditions:
BRCA2-related cancer predisposition. Identifiers: MedGen CN377758, MONDO:0700269.
Hereditary cancer-predisposing syndrome. Also called: Hereditary neoplastic syndrome; Hereditary Cancer Syndrome; Neoplastic Syndromes, Hereditary; Tumor predisposition. Identifiers: Orphanet 140162, MedGen C0027672, MeSH D009386, MONDO:0015356.
Hereditary breast ovarian cancer syndrome. Also called: Breast and ovarian cancer; Hereditary breast and ovarian cancer syndrome; BRCA1- and BRCA2-Associated Hereditary Breast and Ovarian Cancer; Hereditary breast and ovarian cancer syndrome (HBOC); Hereditary breast and/or ovarian cancer syndrome; Hereditary breast and ovarian cancer. Identifiers: Orphanet 145, MedGen C0677776, MeSH D061325, MONDO:0003582. Disease mechanism: loss of function.
Breast-ovarian cancer, familial, susceptibility to, 2 (BROVCA2). Also called: BRCA2 Hereditary Breast and Ovarian Cancer. Identifiers: Orphanet 145, MedGen C2675520, MONDO:0012933, OMIM 612555. Disease mechanism: loss of function.
Familial cancer of breast. Also called: hereditary breast carcinoma; Hereditary breast cancer; BREAST CANCER, FAMILIAL. Identifiers: Orphanet 227535, MedGen C0346153, MONDO:0016419, OMIM 114480. Disease mechanism: loss of function.

Submissions (15):

Evidence-based Network for the Interpretation of Germline Mutant Alleles (ENIGMA)
Classification: Pathogenic for Breast-ovarian cancer, familial, susceptibility to, 2. Last evaluated: 2016-09-08. Review status: reviewed by expert panel. Criteria: ENIGMA BRCA1/2 Classification Criteria (2015). Collection method: curation. Allele origin: germline.
Comment: Variant allele predicted to encode a truncated non-functional protein.

GeneDx
Classification: Pathogenic. Last evaluated: 2026-04-13. Review status: criteria provided, single submitter. Criteria: GeneDx Variant Classification Process June 2021. Collection method: clinical testing. Allele origin: germline. Not counted in ClinVar's aggregate classification.
Comment: Frameshift variant predicted to result in protein truncation or nonsense mediated decay in a gene for which loss of function is a known mechanism of disease; Truncating variants in this gene are considered pathogenic by a well-established clinical consortium and/or database; Not observed at significant frequency in large population cohorts (gnomAD); Also known as 4101delA; This variant is associated with the following publications: (PMID: 26023681, 33087929, 29945567)

Labcorp Genetics (formerly Invitae), Labcorp
Classification: Pathogenic for Hereditary breast ovarian cancer syndrome. Last evaluated: 2025-11-17. Review status: criteria provided, single submitter. Criteria: Invitae Variant Classification Sherloc (09022015). Collection method: clinical testing. Allele origin: germline. Not counted in ClinVar's aggregate classification.
Comment: This sequence change creates a premature translational stop signal (p.Gln1291Hisfs*2) in the BRCA2 gene. It is expected to result in an absent or disrupted protein product. Loss-of-function variants in BRCA2 are known to be pathogenic (PMID: 20104584). This variant is not present in population databases (gnomAD no frequency). This premature translational stop signal has been observed in individual(s) with breast and skin cancer (PMID: 26023681). This variant is also known as 4101delA. ClinVar contains an entry for this variant (Variation ID: 91809). For these reasons, this variant has been classified as Pathogenic.

Revvity Omics, Revvity
Classification: Pathogenic. Last evaluated: 2024-06-27. Review status: criteria provided, single submitter. Criteria: ACMG Guidelines, 2015. Collection method: clinical testing. Allele origin: germline. Not counted in ClinVar's aggregate classification.

All of Us Research Program, National Institutes of Health
Classification: Pathogenic for BRCA2-related cancer predisposition. Last evaluated: 2024-06-09. Review status: criteria provided, single submitter. Criteria: ACMG Guidelines, 2015. Collection method: clinical testing. Allele origin: germline. Inheritance: Autosomal dominant inheritance. Observed: 1 variant allele, 1 heterozygote. Not counted in ClinVar's aggregate classification.
Comment: This variant deletes 1 nucleotide in exon 11 of the BRCA2 gene, creating a frameshift and premature translation stop signal. This variant is also known as 4101delA in the literature. This variant is expected to result in an absent or non-functional protein product. This variant has been reported in individuals affected with breast, ovarian, and pancreatic cancer (PMID: 24728189, 26023681, 29945567, Color internal data). This variant has not been identified in the general population by the Genome Aggregation Database (gnomAD). Loss of BRCA2 function is a known mechanism of disease. Based on the available evidence, this variant is classified as Pathogenic.

This study involves interpretation of variants in research participants for the purpose of population health screening. Participant phenotype was not available at the time of variant classification. Additional details can be found in publication PMID: 35346344, PMCID: PMC8962531

Color Diagnostics, LLC DBA Color Health
Classification: Pathogenic for Hereditary cancer-predisposing syndrome. Last evaluated: 2024-01-02. Review status: criteria provided, single submitter. Criteria: ACMG Guidelines, 2015. Collection method: clinical testing. Allele origin: germline. Not counted in ClinVar's aggregate classification.
Comment: This variant deletes 1 nucleotide in exon 11 of the BRCA2 gene, creating a frameshift and premature translation stop signal. This variant is also known as 4101delA in the literature. This variant is expected to result in an absent or non-functional protein product. This variant has been reported in individuals affected with breast, ovarian, and pancreatic cancer (PMID: 24728189, 26023681, 29945567, Color internal data). This variant has not been identified in the general population by the Genome Aggregation Database (gnomAD). Loss of BRCA2 function is a known mechanism of disease. Based on the available evidence, this variant is classified as Pathogenic.

Baylor Genetics
Classification: Pathogenic for Familial cancer of breast. Last evaluated: 2023-12-15. Review status: criteria provided, single submitter. Criteria: ACMG Guidelines, 2015. Collection method: clinical testing. Allele origin: unknown. Not counted in ClinVar's aggregate classification.

Ambry Genetics
Classification: Pathogenic for Hereditary cancer-predisposing syndrome. Last evaluated: 2023-11-08. Review status: criteria provided, single submitter. Criteria: Ambry Variant Classification Scheme 2023. Collection method: clinical testing. Allele origin: germline. Not counted in ClinVar's aggregate classification.
Comment: The c.3873delA pathogenic mutation, located in coding exon 10 of the BRCA2 gene, results from a deletion of one nucleotide at nucleotide position 3873, causing a translational frameshift with a predicted alternate stop codon (p.Q1291Hfs*2). In one case control study, this mutation was detected in 1/2222 individuals with invasive epithelial ovarian cancer and 0/1528 matched controls (Song H et al. Hum. Mol. Genet., 2014 Sep;23:4703-9). This mutation has also been detected in a patient with pancreatic cancer (Young EL et al. BMC Cancer, 2018 Jun;18:697). In addition to the clinical data presented in the literature, this alteration is expected to result in loss of function by premature protein truncation or nonsense-mediated mRNA decay. As such, this alteration is interpreted as a disease-causing mutation.

Women's Health and Genetics/Laboratory Corporation of America, LabCorp
Classification: Pathogenic for Hereditary breast ovarian cancer syndrome. Last evaluated: 2022-04-25. Review status: criteria provided, single submitter. Criteria: LabCorp Variant Classification Summary - May 2015. Collection method: clinical testing. Allele origin: germline. Not counted in ClinVar's aggregate classification.
Comment: Variant summary: BRCA2 c.3873delA (p.Gln1291HisfsX2) results in a premature termination codon, predicted to cause a truncation of the encoded protein or absence of the protein due to nonsense mediated decay, which are commonly known mechanisms for disease. Truncations downstream of this position have been classified as pathogenic by our laboratory. The variant was absent in 194150 control chromosomes. c.3873delA has been reported in the literature in individuals affected with Hereditary Breast And Ovarian Cancer Syndrome (example, Rebbeck_2018). Multiple clinical diagnostic laboratories, an expert panel (ENIGMA) and a consortium (CIMBA) have submitted clinical-significance assessments for this variant to ClinVar after 2014 without evidence for independent evaluation. All submitters classified the variant as pathogenic. Based on the evidence outlined above, the variant was classified as pathogenic.

Quest Diagnostics Nichols Institute San Juan Capistrano
Classification: Pathogenic. Last evaluated: 2022-02-14. Review status: criteria provided, single submitter. Criteria: Quest Diagnostics criteria. Collection method: clinical testing. Allele origin: unknown. Not counted in ClinVar's aggregate classification.
Comment: This frameshift variant alters the translational reading frame of the BRCA2 mRNA and causes the premature termination of BRCA2 protein synthesis. This variant has not been reported in large, multi-ethnic general populations. In the published literature, the variant has been reported in individuals with breast and skin cancer (PMID: 26023681 (2015)), ovarian cancer (PMID: 24728189 (2014)), and pancreatic cancer (PMID: 29945567 (2018)). Based on the available information, this variant is classified as pathogenic.

Laboratory for Molecular Medicine, Mass General Brigham Personalized Medicine
Classification: Pathogenic for Hereditary breast ovarian cancer syndrome. Last evaluated: 2019-10-14. Review status: criteria provided, single submitter. Criteria: ACMG Guidelines, 2015. Collection method: clinical testing. Allele origin: germline. Not counted in ClinVar's aggregate classification.
Comment: The p.Gln1291HisfsX2 variant in BRCA2 (also referred to in the literature as c.4101delA) has been reported in at least 3 individuals with BRCA2-related cancers (Young 2018, Song 2014, Foley 2015). It was absent from large population studies. This variant is predicted to cause a frameshift, which alters the protein’s amino acid sequence beginning at position 1291 and leads to a premature termination codon 2 amino acids downstream. This alteration is then predicted to lead to a truncated or absent protein. Loss of function of the BRCA2 gene is an established disease mechanism in autosomal dominant hereditary breast and ovarian cancer syndrome (HBOC). Additionally, this variant was classified as Pathogenic on Sept 8 2016 by the ClinGen-approved ENIGMA expert panel (Variation ID: 91809). In summary, this variant meets criteria to be classified as pathogenic for autosomal dominant HBOC. ACMG/AMP Criteria applied: PVS1, PM2, PS4_Supporting.

Consortium of Investigators of Modifiers of BRCA1/2 (CIMBA), c/o University of Cambridge
Classification: Pathogenic for Breast-ovarian cancer, familial, susceptibility to, 2. Last evaluated: 2015-10-02. Review status: criteria provided, single submitter. Criteria: CIMBA Mutation Classification guidelines May 2016. Collection method: clinical testing. Allele origin: germline. Not counted in ClinVar's aggregate classification.

Research Molecular Genetics Laboratory, Women's College Hospital, University of Toronto
Classification: Pathogenic for Hereditary breast ovarian cancer syndrome. Last evaluated: 2014-01-31. Review status: no assertion criteria provided. Collection method: research. Allele origin: germline. Affected: yes. Study: The Canadian Open Genetics Repository (COGR). Not counted in ClinVar's aggregate classification.

Sharing Clinical Reports Project (SCRP)
Classification: Pathogenic for Breast-ovarian cancer, familial 2. Last evaluated: 2011-10-25. Review status: no assertion criteria provided. Collection method: clinical testing. Allele origin: germline. Not counted in ClinVar's aggregate classification.

Department of Pathology and Laboratory Medicine, Sinai Health System
Classification: Uncertain significance. Review status: no assertion criteria provided. Collection method: clinical testing. Allele origin: unknown. Affected: yes. Observed: 1 variant allele. Study: The Canadian Open Genetics Repository (COGR). Not counted in ClinVar's aggregate classification.

Literature cited by the submitters: PubMed 20104584 (cited by Labcorp Genetics (formerly Invitae), Labcorp); PubMed 26023681 (cited by 6 submitters); PubMed 24728189 (cited by 5 submitters); PubMed 29945567 (cited by 5 submitters); PubMed 29446198 (cited by Women's Health and Genetics/Laboratory Corporation of America, LabCorp and Quest Diagnostics Nichols Institute San Juan Capistrano); PubMed 33087929 (cited by Quest Diagnostics Nichols Institute San Juan Capistrano).